The following is an entry in ClinVar:

ClinVar aggregate classification (germline): Pathogenic. Review status: criteria provided, multiple submitters, no conflicts (2 of 4 stars). 2 submissions from 2 submitters: Pathogenic (2). Last evaluated 2022-11-30.

Conditions:
Ectopic tissue. Also called: Heterotopia. Identifiers: MedGen C0008519.

Submissions (2):

Labcorp Genetics (formerly Invitae), Labcorp
Classification: Pathogenic. Last evaluated: 2022-11-30. Review status: criteria provided, single submitter. Criteria: Invitae Variant Classification Sherloc (09022015). Collection method: clinical testing. Allele origin: germline.
Comment: This variant is not present in population databases (gnomAD no frequency). This sequence change replaces lysine, which is basic and polar, with glutamic acid, which is acidic and polar, at codon 180 of the DCX protein (p.Lys180Glu). This missense change has been observed in individual(s) with lissencephaly and subcortical band heterotopia (Invitae). In at least one individual the variant was observed to be de novo. ClinVar contains an entry for this variant (Variation ID: 158474). Advanced modeling of protein sequence and biophysical properties (such as structural, functional, and spatial information, amino acid conservation, physicochemical variation, residue mobility, and thermodynamic stability) performed at Invitae indicates that this missense variant is expected to disrupt DCX protein function. For these reasons, this variant has been classified as Pathogenic.

Genetic Services Laboratory, University of Chicago
Classification: Pathogenic for Abnormality of neuronal migration. Last evaluated: 2013-02-08. Review status: criteria provided, single submitter. Criteria: ACMG Guidelines, 2007. Collection method: clinical testing. Allele origin: germline. Inheritance: Autosomal dominant inheritance. Affected: yes.

NM_001195553.2(DCX):c.538A>G (p.Lys180Glu)

Gene: DCX (doublecortin; minus strand). Cytogenetic location: Xq23.
Variant type: single nucleotide variant.
Coding change: c.538A>G on transcript NM_001195553.2 (MANE Select); coding-DNA position 538, A replaced by G.
Protein change: p.Lys180Glu; replaces lysine 180 with glutamic acid.
Molecular consequence: missense variant.
Genome position (GRCh38, 1-based): chrX:111,401,157, T>C on the plus strand (A>G on the coding strand, the complement: DCX is on the minus strand). VCF-style: chrX-111401157-T-C. GRCh37 (hg19) VCF-style: chrX-110644385-T-C.
Other names: c.781A>G, p.Lys261Glu (NM_000555.3); c.538A>G, p.Lys180Glu (NM_001369370.1, NM_001369371.1, NM_001369372.1 and 5 more transcripts); short protein forms K180E, K261E.
Identifiers: ClinVar variation 158474 (VCV000158474.10), dbSNP rs587783560, ClinGen allele CA171986.